The following is an entry in ClinVar:

ClinVar aggregate classification (germline): Pathogenic. Review status: reviewed by expert panel (3 of 4 stars). 2 submissions from 2 submitters: Pathogenic (1). 1 of the submissions does not count toward it. Last evaluated 2017-12-15.

Conditions:
Breast-ovarian cancer, familial, susceptibility to, 2 (BROVCA2). Also called: BRCA2 Hereditary Breast and Ovarian Cancer. Identifiers: Orphanet 145, MedGen C2675520, MONDO:0012933, OMIM 612555. Disease mechanism: loss of function.

Submissions (2):

Evidence-based Network for the Interpretation of Germline Mutant Alleles (ENIGMA)
Classification: Pathogenic for Breast-ovarian cancer, familial, susceptibility to, 2. Last evaluated: 2017-12-15. Review status: reviewed by expert panel. Criteria: ENIGMA BRCA1/2 Classification Criteria (2017-06-29). Collection method: curation. Allele origin: germline. Study: ENIGMA.
Comment: Variant allele predicted to encode a truncated non-functional protein.

GeneDx
Classification: Pathogenic. Last evaluated: 2016-10-17. Review status: criteria provided, single submitter. Criteria: GeneDx Variant Classification (06012015). Collection method: clinical testing. Allele origin: germline. Affected: yes. Not counted in ClinVar's aggregate classification.
Comment: This deletion of one nucleotide in BRCA2 is denoted c.9325delC at the cDNA level and p.Asn3110MetfsX10 (N3110MfsX10) at the protein level. Using alternate nomenclature, this variant would be defined as BRCA2 9553delC. The normal sequence, with the base that is deleted in braces, is AGAC[C]TTAA. The deletion causes a frameshift which changes an Asparagine to a Methionine at codon 3110, and creates a premature stop codon at position 10 of the new reading frame. Although this variant has not, to our knowledge, been reported in the literature, it is predicted to cause loss of normal protein function through either protein truncation or nonsense-mediated mRNA decay. We consider this variant to be pathogenic.

NM_000059.4(BRCA2):c.9325del (p.Asn3110fs)

Gene: BRCA2 (BRCA2 DNA repair associated; plus strand). Cytogenetic location: 13q13.1.
Variant type: Deletion.
Coding change: c.9325del on transcript NM_000059.4 (MANE Select); coding-DNA position 9325, one base deleted (C; older notation c.9325delC).
Protein change: p.Asn3110fs; shifts the reading frame from asparagine 3110.
Molecular consequence: frameshift variant.
Genome position (GRCh38, 1-based): chr13:32,394,757, C deleted; the last of 2 consecutive C bases (chr13:32,394,756-32,394,757); deleting either gives the same sequence. VCF-style (leftmost placement, unchanged base first): chr13-32394755-AC-A. GRCh37 (hg19) VCF-style: chr13-32968892-AC-A.
Other names: c.9325delC (NM_000059.3); short protein forms N3110fs.
Identifiers: ClinVar variation 422546 (VCV000422546.2), dbSNP rs1064795851, ClinGen allele CA16619790.